The following is an entry in ClinVar:

NM_004360.5(CDH1):c.1600G>T (p.Glu534Ter)

Gene: CDH1 (cadherin 1; plus strand). Cytogenetic location: 16q22.1.
Variant type: single nucleotide variant.
Coding change: c.1600G>T on transcript NM_004360.5 (MANE Select); coding-DNA position 1600, G replaced by T.
Protein change: p.Glu534Ter; replaces glutamic acid 534 with a stop codon.
Molecular consequence: nonsense. On other transcripts: intron variant (1).
Genome position (GRCh38, 1-based): chr16:68,819,314, G>T. VCF-style: chr16-68819314-G-T. GRCh37 (hg19) VCF-style: chr16-68853217-G-T.
Other names: c.1417G>T, p.Glu473Ter (NM_001317184.2); c.52G>T, p.Glu18Ter (NM_001317185.2); c.-254-2687G>T (NM_001317186.2); short protein forms E18*, E473*, E534*.
Identifiers: ClinVar variation 1776175 (VCV001776175.3), dbSNP rs2152136814, ClinGen allele CA396464991.

ClinVar aggregate classification (germline): Pathogenic. Review status: criteria provided, multiple submitters, no conflicts (2 of 4 stars). 2 submissions from 2 submitters: Pathogenic (2). Last evaluated 2025-06-13.

Conditions:
Hereditary cancer-predisposing syndrome. Also called: Tumor predisposition; Neoplastic Syndromes, Hereditary; Hereditary Cancer Syndrome; Hereditary neoplastic syndrome. Identifiers: Orphanet 140162, MedGen C0027672, MeSH D009386, MONDO:0015356.
Hereditary diffuse gastric adenocarcinoma (HDGC). Also called: DIFFUSE GASTRIC AND LOBULAR BREAST CANCER SYNDROME. Identifiers: Orphanet 26106, MedGen C1708349, MONDO:0007648, OMIM 137215.

Submissions (2):

Women's Health and Genetics/Laboratory Corporation of America, LabCorp
Classification: Pathogenic for Hereditary diffuse gastric adenocarcinoma. Last evaluated: 2025-06-13. Review status: criteria provided, single submitter. Criteria: LabCorp Variant Classification Summary - May 2015. Collection method: clinical testing. Allele origin: germline.
Comment: Variant summary: CDH1 c.1600G>T (p.Glu534X) results in a premature termination codon, predicted to cause a truncation of the encoded protein or absence of the protein due to nonsense mediated decay, which are commonly known mechanisms for disease. The variant was absent in 251472 control chromosomes. c.1600G>T has been observed in individual(s) with a personal and/or family history suggestive of hereditary cancer susceptibility (e.g. Ryan_2024). To our knowledge, no experimental evidence demonstrating an impact on protein function has been reported. The following publication has been ascertained in the context of this evaluation (PMID: 38873722). ClinVar contains an entry for this variant (Variation ID: 1776175). Based on the evidence outlined above, the variant was classified as pathogenic.

Ambry Genetics
Classification: Pathogenic for Hereditary cancer-predisposing syndrome. Last evaluated: 2020-01-08. Review status: criteria provided, single submitter. Criteria: Ambry Variant Classification Scheme 2023. Collection method: clinical testing. Allele origin: germline.
Comment: The p.E534* pathogenic mutation (also known as c.1600G>T), located in coding exon 11 of the CDH1 gene, results from a G to T substitution at nucleotide position 1600. This changes the amino acid from a glutamic acid to a stop codon within coding exon 11. This alteration is expected to result in loss of function by premature protein truncation or nonsense-mediated mRNA decay. As such, this alteration is interpreted as a disease-causing mutation.

Literature cited by the submitters: PubMed 38873722 (cited by Women's Health and Genetics/Laboratory Corporation of America, LabCorp).